The following is an entry in ClinVar:

ClinVar aggregate classification (germline): Uncertain significance (1 of 4 stars; one submission).

Allele frequency attached by ClinVar (database versions not stated): gnomAD 0.00014; 1000 Genomes Project 0.00020; 1000 Genomes Project 30x 0.00016; ESP Exome Variant Server 0.00016; ExAC 0.00004.
gnomAD v4.1: 256 of 1,545,008 alleles (0.017%); highest among the groups gnomAD compares: Non-Finnish European, 0.022%; 35 homozygotes.

Submission:

Ambry Genetics
Classification: Uncertain significance. Last evaluated: 2025-10-14. Review status: criteria provided, single submitter. Criteria: Ambry Variant Classification Scheme 2023. Collection method: clinical testing. Allele origin: germline.
Comment: The c.334C>T (p.R112C) alteration is located in exon 4 (coding exon 4) of the KLRC2 gene. This alteration results from a C to T substitution at nucleotide position 334, causing the arginine (R) at amino acid position 112 to be replaced by a cysteine (C). Based on data from gnomAD, the T allele has an overall frequency of 0.01% (25/251616) total alleles studied. The highest observed frequency was 0.018% (21/117758) of European (non-Finnish) alleles. Based on insufficient or conflicting evidence, the clinical significance of this alteration remains unclear.

NM_002260.4(KLRC2):c.334C>T (p.Arg112Cys)

Gene: KLRC2 (killer cell lectin like receptor C2; minus strand). Cytogenetic location: 12p13.2.
Variant type: single nucleotide variant.
Coding change: c.334C>T on transcript NM_002260.4 (MANE Select); coding-DNA position 334, C replaced by T.
Protein change: p.Arg112Cys; replaces arginine 112 with cysteine.
Molecular consequence: missense variant.
Genome position (GRCh38, 1-based): chr12:10,433,940, G>A on the plus strand (C>T on the coding strand, the complement: KLRC2 is on the minus strand). VCF-style: chr12-10433940-G-A. GRCh37 (hg19) VCF-style: chr12-10586539-G-A.
Other names: short protein forms R112C.
Identifiers: ClinVar variation 2603530 (VCV002603530.3), dbSNP rs373440622, ClinGen allele CA6445809.
Genomic context (GRCh38, chr12:10,433,940, plus strand): 5'-CAATGTAATAACAACTGTTGGAATATGTAATCCACTCCTCAGGACAATGGCCACAATGAC[G>A]TGCTAATAAAGATATGAATTACTATCTAGACCAATATGAATTTTTAAAAATGAAAATTAG-3'
Protein context (NP_002251.2, residues 102-122): FSPNTRTQKA[Arg112Cys]HCGHCPEEWI